The following is an entry in ClinVar:

ClinVar aggregate classification (germline): Likely benign (1 of 4 stars; one submission).

Allele frequency attached by ClinVar (database versions not stated): 1000 Genomes Project 0.00040; 1000 Genomes Project 30x 0.00047; TOPMed 0.00050; gnomAD exomes 0.00052; gnomAD 0.00054; ExAC 0.00069.
gnomAD v4.1: 807 of 1,548,432 alleles (0.052%); highest among the groups gnomAD compares: Non-Finnish European, 0.052%; 1 homozygote.

Submission:

CeGaT Center for Human Genetics Tuebingen
Classification: Likely benign. Last evaluated: 2023-05-01. Review status: criteria provided, single submitter. Criteria: CeGaT Center For Human Genetics Tuebingen Variant Classification Criteria Version 2. Collection method: clinical testing. Allele origin: germline. Affected: yes. Observed: 3 variant alleles.
Comment: IQSEC1: BP4, BP7

NM_001134382.3(IQSEC1):c.2889C>T (p.Pro963=)

Gene: IQSEC1 (IQ motif and Sec7 domain ArfGEF 1; minus strand). Cytogenetic location: 3p25.2.
Variant type: single nucleotide variant.
Coding change: c.2889C>T on transcript NM_001134382.3 (MANE Select); coding-DNA position 2889, C replaced by T.
Protein change: p.Pro963=; no amino-acid change (proline 963 retained).
Molecular consequence: synonymous variant. On other transcripts: 3 prime UTR variant (1), intron variant (1).
Genome position (GRCh38, 1-based): chr3:12,901,439, G>A on the plus strand (C>T on the coding strand, the complement: IQSEC1 is on the minus strand). VCF-style: chr3-12901439-G-A. GRCh37 (hg19) VCF-style: chr3-12942939-G-A.
Other names: c.*70C>T (NM_001330619.3); c.3213C>T, p.Pro1071= (NM_001376938.2); c.2847+1334C>T (NM_014869.8).
Identifiers: ClinVar variation 2653552 (VCV002653552.24), dbSNP rs531061235, ClinGen allele CA2261791.
Genomic context (GRCh38, chr3:12,901,439, plus strand): 5'-CTGGGGAGGGGGCTTCCCTCTCTTGCTCCCGAATAAGGAGCCCAGGAGGGAAGATGAGTT[G>A]GGCATAGTCTGGTGTGGGCGAGATGGACACTCTCGTGTTGATGTAGCTCTCCGGCGCATG-3'
Protein context (NP_001127854.1, residues 953-973): ECPSRPHQTM[Pro963=]NSSSLLGSLF